The following is an entry in ClinVar:

NM_019098.5(CNGB3):c.1775A>G (p.Glu592Gly)

Gene: CNGB3 (cyclic nucleotide gated channel subunit beta 3; minus strand). Cytogenetic location: 8q21.3.
Variant type: single nucleotide variant.
Coding change: c.1775A>G on transcript NM_019098.5 (MANE Select); coding-DNA position 1775, A replaced by G.
Protein change: p.Glu592Gly; replaces glutamic acid 592 with glycine.
Molecular consequence: missense variant.
Genome position (GRCh38, 1-based): chr8:86,604,099, T>C on the plus strand (A>G on the coding strand, the complement: CNGB3 is on the minus strand). VCF-style: chr8-86604099-T-C. GRCh37 (hg19) VCF-style: chr8-87616327-T-C.
Other names: short protein forms E592G.
Identifiers: ClinVar variation 850605 (VCV000850605.7), dbSNP rs566844518, ClinGen allele CA4799908.

ClinVar aggregate classification (germline): Uncertain significance. Review status: criteria provided, multiple submitters, no conflicts (2 of 4 stars). 3 submissions from 3 submitters: Uncertain significance (2). 1 of the submissions does not count toward it. Last evaluated 2025-11-05.

Conditions:
Achromatopsia. Also called: Rod monochromatism. Identifiers: Orphanet 49382, MedGen C0152200, MONDO:0018852, HP:0011516.
Inborn genetic diseases. Identifiers: MedGen C0950123, MeSH D030342.

Allele frequency attached by ClinVar (database versions not stated): gnomAD 0.00001 and 0.00003; gnomAD exomes 0.00001 and 0.00002; TOPMed 0.00002; 1000 Genomes Project 0.00020; ExAC 0.00002; 1000 Genomes Project 30x 0.00016.
gnomAD v4.1: 12 of 1,605,864 alleles (0.00075%); highest among the groups gnomAD compares: African/African-American, 0.016%; no homozygotes.

Submissions (3):

Ambry Genetics
Classification: Uncertain significance for Inborn genetic diseases. Last evaluated: 2025-11-05. Review status: criteria provided, single submitter. Criteria: Ambry Variant Classification Scheme 2023. Collection method: clinical testing. Allele origin: germline.

Labcorp Genetics (formerly Invitae), Labcorp
Classification: Uncertain significance. Last evaluated: 2022-07-12. Review status: criteria provided, single submitter. Criteria: Invitae Variant Classification Sherloc (09022015). Collection method: clinical testing. Allele origin: germline.
Comment: This sequence change replaces glutamic acid, which is acidic and polar, with glycine, which is neutral and non-polar, at codon 592 of the CNGB3 protein (p.Glu592Gly). This variant is present in population databases (rs566844518, gnomAD 0.03%). This variant has not been reported in the literature in individuals affected with CNGB3-related conditions. ClinVar contains an entry for this variant (Variation ID: 850605). Advanced modeling of protein sequence and biophysical properties (such as structural, functional, and spatial information, amino acid conservation, physicochemical variation, residue mobility, and thermodynamic stability) performed at Invitae indicates that this missense variant is expected to disrupt CNGB3 protein function. In summary, the available evidence is currently insufficient to determine the role of this variant in disease. Therefore, it has been classified as a Variant of Uncertain Significance.

Natera, Inc.
Classification: Uncertain significance for Achromatopsia. Last evaluated: 2020-04-14. Review status: no assertion criteria provided. Collection method: clinical testing. Allele origin: germline. Not counted in ClinVar's aggregate classification.